The following is an entry in ClinVar:

ClinVar aggregate classification (germline): Likely pathogenic (1 of 4 stars; one submission).

Conditions:
Familial thoracic aortic aneurysm and aortic dissection (TAAD). Also called: Thoracic aortic aneurysms and dissections. Identifiers: Orphanet 91387, MedGen C4707243, MONDO:0019625.

Submission:

Ambry Genetics
Classification: Likely pathogenic for Familial thoracic aortic aneurysm and aortic dissection. Last evaluated: 2023-12-22. Review status: criteria provided, single submitter. Criteria: Ambry Variant Classification Scheme 2023. Collection method: clinical testing. Allele origin: germline.
Comment: The p.C262F variant (also known as c.785G>T), located in coding exon 7 of the FBN1 gene, results from a G to T substitution at nucleotide position 785. The cysteine at codon 262 is replaced by phenylalanine, an amino acid with highly dissimilar properties. The majority of FBN1 mutations identified to date have involved the substitution or generation of cysteine residues within cbEGF domains (Vollbrandt T et al. J Biol Chem. 2004;279(31):32924-32931). Internal structural analysis indicates this alteration eliminates a disulfide bond critical for the structural integrity of the cbEGF1 domain (Ambry internal data). This variant is considered to be rare based on population cohorts in the Genome Aggregation Database (gnomAD). This amino acid position is highly conserved in available vertebrate species. In addition, this alteration is predicted to be deleterious by in silico analysis. Based on the majority of available evidence to date, this variant is likely to be pathogenic.

NM_000138.5(FBN1):c.785G>T (p.Cys262Phe)

Gene: FBN1 (fibrillin 1; minus strand). Cytogenetic location: 15q21.1.
Variant type: single nucleotide variant.
Coding change: c.785G>T on transcript NM_000138.5 (MANE Select); coding-DNA position 785, G replaced by T.
Protein change: p.Cys262Phe; replaces cysteine 262 with phenylalanine.
Molecular consequence: missense variant.
Genome position (GRCh38, 1-based): chr15:48,534,157, C>A on the plus strand (G>T on the coding strand, the complement: FBN1 is on the minus strand). VCF-style: chr15-48534157-C-A. GRCh37 (hg19) VCF-style: chr15-48826354-C-A.
Other names: c.785G>T, p.Cys262Phe (NM_001406716.1, NM_001406717.1); short protein forms C262F.
Identifiers: ClinVar variation 3230427 (VCV003230427.1), dbSNP rs2505655477, ClinGen allele CA392352609.